The following is an entry in ClinVar:

ClinVar aggregate classification (germline): Uncertain significance (1 of 4 stars; one submission).

Submission:

GeneDx
Classification: Uncertain significance. Last evaluated: 2024-01-28. Review status: criteria provided, single submitter. Criteria: GeneDx Variant Classification Process June 2021. Collection method: clinical testing. Allele origin: germline. Affected: yes.
Comment: Not observed at significant frequency in large population cohorts (gnomAD); In silico analysis supports that this missense variant does not alter protein structure/function; Has not been previously published as pathogenic or benign to our knowledge

NM_001042750.2(STAG2):c.3415A>G (p.Met1139Val)

Gene: STAG2 (STAG2 cohesin complex component; plus strand). Cytogenetic location: Xq25.
Variant type: single nucleotide variant.
Coding change: c.3415A>G on transcript NM_001042750.2 (MANE Select); coding-DNA position 3415, A replaced by G.
Protein change: p.Met1139Val; replaces methionine 1139 with valine.
Molecular consequence: missense variant.
Genome position (GRCh38, 1-based): chrX:124,090,712, A>G. VCF-style: chrX-124090712-A-G. GRCh37 (hg19) VCF-style: chrX-123224562-A-G.
Other names: c.3415A>G, p.Met1139Val (NM_001042749.2, NM_001042751.2, NM_001282418.2 and 13 more transcripts); short protein forms M1139V.
Identifiers: ClinVar variation 3368490 (VCV003368490.1).